The following is an entry in ClinVar:

NM_000071.3(CBS):c.625C>A (p.Arg209=)

Gene: CBS (cystathionine beta-synthase; minus strand). Cytogenetic location: 21q22.3.
Variant type: single nucleotide variant.
Coding change: c.625C>A on transcript NM_000071.3 (MANE Select); coding-DNA position 625, C replaced by A.
Protein change: p.Arg209=; no amino-acid change (arginine 209 retained).
Molecular consequence: synonymous variant.
Genome position (GRCh38, 1-based): chr21:43,065,428, G>T on the plus strand (C>A on the coding strand, the complement: CBS is on the minus strand). VCF-style: chr21-43065428-G-T. GRCh37 (hg19) VCF-style: chr21-44485538-G-T.
Other names: c.625C>A, p.Arg209= (NM_001178008.3, NM_001178009.3, NM_001320298.2); c.310C>A, p.Arg104= (NM_001321072.1).
Identifiers: ClinVar variation 413349 (VCV000413349.18), dbSNP rs137939628, ClinGen allele CA16616519.

ClinVar aggregate classification (germline): Likely benign. Review status: criteria provided, multiple submitters, no conflicts (2 of 4 stars). 4 submissions from 4 submitters: Likely benign (3). 1 of the submissions does not count toward it. Last evaluated 2026-01-20.

Conditions:
CBS-related disorder. Also called: CBS-related condition.
Familial thoracic aortic aneurysm and aortic dissection (TAAD). Also called: Thoracic aortic aneurysms and dissections. Identifiers: Orphanet 91387, MedGen C4707243, MONDO:0019625.
HYPERHOMOCYSTEINEMIA, THROMBOTIC, CBS-RELATED. Identifiers: MedGen C3150344, OMIM 236200.

Allele frequency attached by ClinVar (database versions not stated): gnomAD below 0.00001; TOPMed 0.00005; ESP Exome Variant Server 0.00023; gnomAD exomes 0.00032.

Submissions (4):

Labcorp Genetics (formerly Invitae), Labcorp
Classification: Likely benign for HYPERHOMOCYSTEINEMIA, THROMBOTIC, CBS-RELATED. Last evaluated: 2026-01-20. Review status: criteria provided, single submitter. Criteria: Invitae Variant Classification Sherloc (09022015). Collection method: clinical testing. Allele origin: germline.

Ambry Genetics
Classification: Likely benign for Familial thoracic aortic aneurysm and aortic dissection. Last evaluated: 2022-10-02. Review status: criteria provided, single submitter. Criteria: Ambry Variant Classification Scheme 2023. Collection method: clinical testing. Allele origin: germline.

GeneDx
Classification: Likely benign. Last evaluated: 2018-03-22. Review status: criteria provided, single submitter. Criteria: GeneDx Variant Classification (06012015). Collection method: clinical testing. Allele origin: germline. Affected: yes.
Comment: This variant is considered likely benign or benign based on one or more of the following criteria: it is a conservative change, it occurs at a poorly conserved position in the protein, it is predicted to be benign by multiple in silico algorithms, and/or has population frequency not consistent with disease.

PreventionGenetics, part of Exact Sciences
Classification: Likely benign for CBS-related condition. Last evaluated: 2019-04-29. Review status: no assertion criteria provided. Collection method: clinical testing. Allele origin: germline. Not counted in ClinVar's aggregate classification.
Comment: This variant is classified as likely benign based on ACMG/AMP sequence variant interpretation guidelines (Richards et al. 2015 PMID: 25741868, with internal and published modifications).